The following is an entry in ClinVar:

NM_001148.6(ANK2):c.1048C>T (p.His350Tyr)

Gene: ANK2 (ankyrin 2; plus strand). Cytogenetic location: 4q26.
Variant type: single nucleotide variant.
Coding change: c.1048C>T on transcript NM_001148.6 (MANE Select); coding-DNA position 1048, C replaced by T.
Protein change: p.His350Tyr; replaces histidine 350 with tyrosine.
Molecular consequence: missense variant.
Genome position (GRCh38, 1-based): chr4:113,255,792, C>T. VCF-style: chr4-113255792-C-T. GRCh37 (hg19) VCF-style: chr4-114176948-C-T.
Other names: c.985C>T, p.His329Tyr (NM_001127493.3, NM_001354243.2, NM_001354244.2 and 14 more transcripts); c.1093C>T, p.His365Tyr (NM_001354241.2, NM_001354242.2, NM_001386152.1 and 5 more transcripts); c.1048C>T, p.His350Tyr (NM_001354245.2, NM_001354246.2, NM_001354268.2 and 9 more transcripts); c.961C>T, p.His321Tyr (NM_001354249.2, NM_001354266.2, NM_001354267.2 and 16 more transcripts); c.1036C>T, p.His346Tyr (NM_001354269.3, NM_001386186.2, NM_001386148.2); c.1006C>T, p.His336Tyr (NM_001386160.1, NM_001354261.2, NM_001386147.1); c.1099C>T, p.His367Tyr (NM_001386174.1); c.1075C>T, p.His359Tyr (NM_001386175.1); and 1 more; short protein forms H350Y, H359Y, H367Y, H329Y, H336Y, H365Y, H321Y, H338Y.
Identifiers: ClinVar variation 3691914 (VCV003691914.2).

ClinVar aggregate classification (germline): Uncertain significance (1 of 4 stars; one submission).

Conditions:
Long QT syndrome (LQTS). Identifiers: MedGen C0023976, MeSH D008133, MONDO:0002442. Disease mechanism: loss of function. Inheritance: Various modes of inheritance.

gnomAD v4.1: 2 of 1,614,212 alleles (0.00012%); highest among the groups gnomAD compares: Non-Finnish European, 0.00017%; no homozygotes.

Submission:

Labcorp Genetics (formerly Invitae), Labcorp
Classification: Uncertain significance for Long QT syndrome. Last evaluated: 2024-04-09. Review status: criteria provided, single submitter. Criteria: Invitae Variant Classification Sherloc (09022015). Collection method: clinical testing. Allele origin: germline.
Comment: This sequence change replaces histidine, which is basic and polar, with tyrosine, which is neutral and polar, at codon 350 of the ANK2 protein (p.His350Tyr). This variant is present in population databases (rs769257583, gnomAD 0.002%). This variant has not been reported in the literature in individuals affected with ANK2-related conditions. Advanced modeling of protein sequence and biophysical properties (such as structural, functional, and spatial information, amino acid conservation, physicochemical variation, residue mobility, and thermodynamic stability) has been performed at Invitae for this missense variant, however the output from this modeling did not meet the statistical confidence thresholds required to predict the impact of this variant on ANK2 protein function. In summary, the available evidence is currently insufficient to determine the role of this variant in disease. Therefore, it has been classified as a Variant of Uncertain Significance.